The following is an entry in ClinVar:

NM_015338.6(ASXL1):c.692T>C (p.Leu231Pro)

Gene: ASXL1 (ASXL transcriptional regulator 1; plus strand). Cytogenetic location: 20q11.21.
Variant type: single nucleotide variant.
Coding change: c.692T>C on transcript NM_015338.6 (MANE Select); coding-DNA position 692, T replaced by C.
Protein change: p.Leu231Pro; replaces leucine 231 with proline.
Molecular consequence: missense variant. On other transcripts: intron variant (1).
Genome position (GRCh38, 1-based): chr20:32,430,027, T>C. VCF-style: chr20-32430027-T-C. GRCh37 (hg19) VCF-style: chr20-31017830-T-C.
Other names: c.535+596T>C (NM_001363734.1); short protein forms L231P.
Identifiers: ClinVar variation 3954935 (VCV003954935.1).

ClinVar aggregate classification (germline): Uncertain significance (1 of 4 stars; one submission).

Conditions:
Inborn genetic diseases. Identifiers: MedGen C0950123, MeSH D030342.

gnomAD v4.1: 9 of 1,606,576 alleles (0.00056%); highest among the groups gnomAD compares: Non-Finnish European, 0.00076%; no homozygotes.

Submission:

Ambry Genetics
Classification: Uncertain significance for Inborn genetic diseases. Last evaluated: 2025-03-17. Review status: criteria provided, single submitter. Criteria: Ambry Variant Classification Scheme 2023. Collection method: clinical testing. Allele origin: germline.
Comment: The p.L231P variant (also known as c.692T>C), located in coding exon 8 of the ASXL1 gene, results from a T to C substitution at nucleotide position 692. The leucine at codon 231 is replaced by proline, an amino acid with similar properties. This amino acid position is conserved. In addition, the in silico prediction for this alteration is inconclusive. Based on the available evidence, the clinical significance of this variant remains unclear.